The following is an entry in ClinVar:

NM_000153.4(GALC):c.1946C>G (p.Ser649Cys)

Gene: GALC (galactosylceramidase; minus strand). Cytogenetic location: 14q31.3.
Variant type: single nucleotide variant.
Coding change: c.1946C>G on transcript NM_000153.4 (MANE Select); coding-DNA position 1946, C replaced by G.
Protein change: p.Ser649Cys; replaces serine 649 with cysteine.
Molecular consequence: missense variant.
Genome position (GRCh38, 1-based): chr14:87,934,844, G>C on the plus strand (C>G on the coding strand, the complement: GALC is on the minus strand). VCF-style: chr14-87934844-G-C. GRCh37 (hg19) VCF-style: chr14-88401188-G-C.
Other names: c.1877C>G, p.Ser626Cys (NM_001201401.2); c.1868C>G, p.Ser623Cys (NM_001201402.2); short protein forms S623C, S649C, S626C.
Identifiers: ClinVar variation 1348405 (VCV001348405.8), dbSNP rs1158521193, ClinGen allele CA390745311.

ClinVar aggregate classification (germline): Uncertain significance (1 of 4 stars; one submission).

Conditions:
Galactosylceramide beta-galactosidase deficiency. Also called: Krabbe Disease; Leukodystrophy, Globoid Cell; GALACTOCEREBROSIDASE DEFICIENCY; GALC DEFICIENCY; GLOBOID CELL LEUKOENCEPHALOPATHY. Identifiers: Orphanet 487, MedGen C0023521, MONDO:0009499, OMIM 245200.

Submission:

Labcorp Genetics (formerly Invitae), Labcorp
Classification: Uncertain significance for Galactosylceramide beta-galactosidase deficiency. Last evaluated: 2021-04-24. Review status: criteria provided, single submitter. Criteria: Invitae Variant Classification Sherloc (09022015). Collection method: clinical testing. Allele origin: germline.
Comment: In summary, the available evidence is currently insufficient to determine the role of this variant in disease. Therefore, it has been classified as a Variant of Uncertain Significance. Advanced modeling of protein sequence and biophysical properties (such as structural, functional, and spatial information, amino acid conservation, physicochemical variation, residue mobility, and thermodynamic stability) performed at Invitae indicates that this missense variant is not expected to disrupt GALC protein function. This variant has not been reported in the literature in individuals with GALC-related conditions. This variant is not present in population databases (ExAC no frequency). This sequence change replaces serine with cysteine at codon 649 of the GALC protein (p.Ser649Cys). The serine residue is weakly conserved and there is a moderate physicochemical difference between serine and cysteine.